The following is an entry in ClinVar:

NM_022458.4(LMBR1):c.758-2293G>C

Gene: LMBR1 (limb development membrane protein 1; minus strand). Cytogenetic location: 7q36.3.
Variant type: single nucleotide variant.
Coding change: c.758-2293G>C on transcript NM_022458.4 (MANE Select); 2293 bases into the intron before coding-DNA position 758, G replaced by C.
Molecular consequence: intron variant. On other transcripts: missense variant (2).
Genome position (GRCh38, 1-based): chr7:156,736,550, C>G on the plus strand (G>C on the coding strand, the complement: LMBR1 is on the minus strand). VCF-style: chr7-156736550-C-G. GRCh37 (hg19) VCF-style: chr7-156529244-C-G.
Other names: c.823G>C, p.Gly275Arg (NM_001350953.2, NM_001363409.2); c.695-2293G>C (NM_001363412.2); c.479-2293G>C (NM_001350954.2); c.758-2293G>C (NM_001363410.2); c.302-2293G>C (NM_001350958.2, NM_001350956.2, NM_001350955.2 and 1 more transcripts); c.389-2293G>C (NM_001350957.2, NM_001363411.2); short protein forms G275R.
Identifiers: ClinVar variation 2628457 (VCV002628457.1), dbSNP rs2537297305, ClinGen allele CA370149724.

ClinVar aggregate classification (germline): Uncertain significance (1 of 4 stars; one submission).

Conditions:
LMBR1-related disorder. Also called: LMBR1-related condition.

Submission:

PreventionGenetics, part of Exact Sciences
Classification: Uncertain significance for LMBR1-related condition. Last evaluated: 2022-09-21. Review status: criteria provided, single submitter. Criteria: ACMG Guidelines, 2015. Collection method: clinical testing. Allele origin: germline.
Comment: The LMBR1 c.823G>C variant is predicted to result in the amino acid substitution p.Gly275Arg. To our knowledge, this variant has not been reported in the literature or in a large population database, indicating this variant is rare. At this time, the clinical significance of this variant is uncertain due to the absence of conclusive functional and genetic evidence.